The following is an entry in ClinVar:

NM_000051.4(ATM):c.5763-1G>C

Genes: ATM (ATM serine/threonine kinase; plus strand), C11orf65 (chromosome 11 open reading frame 65; minus strand). Cytogenetic location: 11q22.3.
Variant type: single nucleotide variant.
Coding change: c.5763-1G>C on transcript NM_000051.4 (MANE Select); the canonical splice acceptor site of the intron before coding-DNA position 5763, G replaced by C.
Molecular consequence: splice acceptor variant. On other transcripts: intron variant (2).
Genome position (GRCh38, 1-based): chr11:108,310,159, G>C. VCF-style: chr11-108310159-G-C. GRCh37 (hg19) VCF-style: chr11-108180886-G-C.
Other names: c.641-1088C>G (NM_001330368.2); c.*39-1088C>G (NM_001351110.2); c.5763-1G>C (NM_001351834.2).
Identifiers: ClinVar variation 2780229 (VCV002780229.7), dbSNP rs2136011029, ClinGen allele CA382548273.

ClinVar aggregate classification (germline): Pathogenic. Review status: reviewed by expert panel (3 of 4 stars). 4 submissions from 4 submitters: Pathogenic (1). 3 of the submissions do not count toward it. Last evaluated 2025-09-21.

Conditions:
Ataxia-telangiectasia syndrome (AT). Also called: LOUIS-BAR SYNDROME; Cerebello-oculocutaneous telangiectasia; Immunodeficiency with ataxia telangiectasia; Ataxia telangiectasia (A-T); Ataxia-telangiectasia, complementation group D; AT, COMPLEMENTATION GROUP C. Identifiers: Orphanet 100, MedGen C0004135, MONDO:0008840, OMIM 208900.
Familial cancer of breast. Also called: BREAST CANCER, FAMILIAL; Hereditary breast cancer; hereditary breast carcinoma. Identifiers: Orphanet 227535, MedGen C0346153, MONDO:0016419, OMIM 114480. Disease mechanism: loss of function.
ATM-related cancer predisposition. Also called: ATM-related cancer susceptibility. Identifiers: MedGen CN377759, MONDO:0700270.

Submissions (4):

ClinGen Hereditary Breast, Ovarian and Pancreatic Cancer Variant Curation Expert Panel, ClinGen
Classification: Pathogenic for ATM-related cancer predisposition. Last evaluated: 2025-09-21. Review status: reviewed by expert panel. Criteria: ClinGen HBOP ACMG Specifications ATM V1.3.0. Collection method: curation. Allele origin: germline. Inheritance: Autosomal dominant inheritance.
Comment: The c.5763-1G>C variant in ATM occurs within the canonical splice acceptor site (-1,2) of intron 38. It is predicted to cause skipping of a biologically-relevant-exon, resulting in a frameshift leading to nonsense mediated decay in a gene in which loss-of-function is an established disease mechanism. This variant has been detected in at least one individual with Ataxia-Telangiectasia (PMID: 26896183). This variant is absent from gnomAD v4.1.0. In summary, this variant meets the criteria to be classified as pathogenic for autosomal dominant ATM-related cancer predisposition and autosomal recessive Ataxia-Telangiectasia based on the ACMG/AMP criteria applied as specified by the HBOP VCEP. (PVS1, PM3, PM2_Supporting)

Department of Clinical Genetics, Copenhagen University Hospital, Rigshospitalet
Classification: Likely pathogenic for Familial cancer of breast; Ataxia-telangiectasia syndrome. Last evaluated: 2025-02-04. Review status: criteria provided, single submitter. Criteria: ACMG Guidelines, 2015. Collection method: clinical testing. Allele origin: germline. Not counted in ClinVar's aggregate classification.
Comment: PVS1, PM2_SUP

Labcorp Genetics (formerly Invitae), Labcorp
Classification: Pathogenic for Ataxia-telangiectasia syndrome. Last evaluated: 2023-03-15. Review status: criteria provided, single submitter. Criteria: Invitae Variant Classification Sherloc (09022015). Collection method: clinical testing. Allele origin: germline. Not counted in ClinVar's aggregate classification.
Comment: Algorithms developed to predict the effect of sequence changes on RNA splicing suggest that this variant may disrupt the consensus splice site. For these reasons, this variant has been classified as Pathogenic. Disruption of this splice site has been observed in individuals with ataxia-telangiectasia (PMID: 26896183). This variant is not present in population databases (gnomAD no frequency). This sequence change affects an acceptor splice site in intron 38 of the ATM gene. It is expected to disrupt RNA splicing. Variants that disrupt the donor or acceptor splice site typically lead to a loss of protein function (PMID: 16199547), and loss-of-function variants in ATM are known to be pathogenic (PMID: 23807571, 25614872).

Hong-Tao Li Lab, Institute of Brain Science and Brain-inspired Research, Shandong First Medical University & Shandong Academy of Medical Sciences China
Classification: Likely pathogenic for Ataxia-telangiectasia syndrome. Review status: no assertion criteria provided. Collection method: research. Allele origin: germline. Inheritance: Autosomal recessive inheritance. Affected: yes. Observed: 1 variant allele, 1 homozygote. Not counted in ClinVar's aggregate classification.
Comment: Observed in affected individuals from a Pakistani neurodevelopmental-disorder research cohort of 263 individuals. Classification assigned using the ACMG/AMP framework.

Literature cited by the submitters: PubMed 26896183 (cited by Department of Clinical Genetics, Copenhagen University Hospital, Rigshospitalet and Labcorp Genetics (formerly Invitae), Labcorp); PubMed 16199547 (cited by Labcorp Genetics (formerly Invitae), Labcorp); PubMed 23807571 (cited by Labcorp Genetics (formerly Invitae), Labcorp); PubMed 25614872 (cited by Labcorp Genetics (formerly Invitae), Labcorp).